The following is an entry in ClinVar:

ClinVar aggregate classification (germline): Uncertain significance (1 of 4 stars; one submission).

Conditions:
SPTBN4-related disorder. Also called: SPTBN4-related condition.

gnomAD v4.1: 20 of 1,523,612 alleles (0.0013%); highest among the groups gnomAD compares: Middle Eastern, 0.035%; no homozygotes.

Submission:

PreventionGenetics, part of Exact Sciences
Classification: Uncertain significance for SPTBN4-related condition. Last evaluated: 2026-02-19. Review status: criteria provided, single submitter. Criteria: ACMG Guidelines, 2015. Collection method: clinical testing. Allele origin: germline.
Comment: The SPTBN4 c.5007C>T variant is not predicted to result in an amino acid change (p.=). This variant is predicted to alter splicing based on available splicing prediction programs (SpliceAI, Jaganathan et al. 2019. PubMed ID: 30661751). However, the use of computer prediction programs is not equivalent to functional evidence. To our knowledge, this variant has not been reported in the literature. This variant is reported in 0.0014% of alleles in individuals of European (non-Finnish) descent in gnomAD. At this time, the clinical significance of this variant is uncertain due to the absence of conclusive functional and genetic evidence.

NM_020971.3(SPTBN4):c.5007C>T (p.Gly1669=)

Gene: SPTBN4 (spectrin beta, non-erythrocytic 4; plus strand). Cytogenetic location: 19q13.2.
Variant type: single nucleotide variant.
Coding change: c.5007C>T on transcript NM_020971.3 (MANE Select); coding-DNA position 5007, C replaced by T.
Protein change: p.Gly1669=; no amino-acid change (glycine 1669 retained).
Molecular consequence: synonymous variant.
Genome position (GRCh38, 1-based): chr19:40,554,569, C>T. VCF-style: chr19-40554569-C-T. GRCh37 (hg19) VCF-style: chr19-41060475-C-T.
Other names: c.1035C>T, p.Gly345= (NM_025213.3).
Identifiers: ClinVar variation 4983571 (VCV004983571.1).